The following is an entry in ClinVar:

ClinVar aggregate classification (germline): Likely benign. Review status: criteria provided, multiple submitters, no conflicts (2 of 4 stars). 2 submissions from 2 submitters: Likely benign (2). Last evaluated 2026-01-21.

Conditions:
Peroxisome biogenesis disorder. Identifiers: Orphanet 79189, MedGen C1832200, MONDO:0019234. Disease mechanism: loss of function.
PEX16-related disorder. Also called: PEX16-related condition.

Allele frequency attached by ClinVar (database versions not stated): gnomAD exomes below 0.00001; TOPMed 0.00002.
gnomAD v4.1: 4 of 1,614,184 alleles (0.00025%); highest among the groups gnomAD compares: East Asian, 0.0022%; no homozygotes.

Submissions (2):

PreventionGenetics, part of Exact Sciences
Classification: Likely benign for PEX16-related condition. Last evaluated: 2026-01-21. Review status: criteria provided, single submitter. Criteria: ACMG Guidelines, 2015. Collection method: clinical testing. Allele origin: germline.
Comment: This variant is classified as likely benign based on ACMG/AMP sequence variant interpretation guidelines (Richards et al. 2015 PMID: 25741868, with internal and published modifications).

Labcorp Genetics (formerly Invitae), Labcorp
Classification: Likely benign for Peroxisome biogenesis disorder. Last evaluated: 2025-01-28. Review status: criteria provided, single submitter. Criteria: Invitae Variant Classification Sherloc (09022015). Collection method: clinical testing. Allele origin: germline.

NM_004813.4(PEX16):c.525G>A (p.Val175=)

Gene: PEX16 (peroxisomal biogenesis factor 16; minus strand). Cytogenetic location: 11p11.2.
Variant type: single nucleotide variant.
Coding change: c.525G>A on transcript NM_004813.4 (MANE Select); coding-DNA position 525, G replaced by A.
Protein change: p.Val175=; no amino-acid change (valine 175 retained).
Molecular consequence: synonymous variant.
Genome position (GRCh38, 1-based): chr11:45,914,620, C>T on the plus strand (G>A on the coding strand, the complement: PEX16 is on the minus strand). VCF-style: chr11-45914620-C-T. GRCh37 (hg19) VCF-style: chr11-45936171-C-T.
Other names: c.525G>A, p.Val175= (NM_057174.3); c.525G>A (NM_004813.2).
Identifiers: ClinVar variation 1668652 (VCV001668652.9), dbSNP rs936507537, ClinGen allele CA221588289.